The following is an entry in ClinVar:

NM_002470.4(MYH3):c.5332G>A (p.Ala1778Thr)

Gene: MYH3 (myosin heavy chain 3; minus strand). Cytogenetic location: 17p13.1.
Variant type: single nucleotide variant.
Coding change: c.5332G>A on transcript NM_002470.4 (MANE Select); coding-DNA position 5332, G replaced by A.
Protein change: p.Ala1778Thr; replaces alanine 1778 with threonine.
Molecular consequence: missense variant.
Genome position (GRCh38, 1-based): chr17:10,630,413, C>T on the plus strand (G>A on the coding strand, the complement: MYH3 is on the minus strand). VCF-style: chr17-10630413-C-T. GRCh37 (hg19) VCF-style: chr17-10533730-C-T.
Other names: c.5332G>A (NM_002470.3); short protein forms A1778T.
Identifiers: ClinVar variation 2725211 (VCV002725211.5), dbSNP rs1272471978, ClinGen allele CA398131682.

ClinVar aggregate classification (germline): Uncertain significance. Review status: criteria provided, multiple submitters, no conflicts (2 of 4 stars). 3 submissions from 3 submitters: Uncertain significance (3). Last evaluated 2026-07-05.

Conditions:
Freeman-Sheldon syndrome (DA2A). Also called: CRANIOCARPOTARSAL DYSPLASIA; CRANIOCARPOTARSAL DYSTROPHY; WHISTLING FACE-WINDMILL VANE HAND SYNDROME; Arthrogryposis, distal, type 2A (Freeman-Sheldon). Identifiers: Orphanet 2053, MedGen C0265224, MONDO:0008675, OMIM 193700.
Contractures, pterygia, and spondylocarpotarsal fusion syndrome 1A (CPSFS1A). Also called: MULTIPLE PTERYGIUM SYNDROME, AUTOSOMAL DOMINANT; Distal arthrogryposis type 8; Contractures, pterygia, and variable skeletal fusions syndrome 1A. Identifiers: Orphanet 65743, MedGen C1867440, MONDO:0008338, OMIM 178110.
Arthrogryposis, distal, type 2B3. Also called: Arthrogryposis, distal, type 2B3 (Sheldon-Hall). Identifiers: MedGen C5193098, MONDO:0032751, OMIM 618436.
Contractures, pterygia, and variable skeletal fusions syndrome 1B. Also called: CONTRACTURES, PTERYGIA, AND SPONDYLOCARPOTARSAL FUSION SYNDROME 1B. Identifiers: MedGen C5193114, MONDO:0020746, OMIM 618469.
MYH3-related disorder. Also called: MYH3-related condition; MYH3-Related Disorders. Identifiers: MedGen CN239329.

Allele frequency attached by ClinVar (database versions not stated): TOPMed below 0.00001; gnomAD 0.00001; gnomAD exomes 0.00002.

Submissions (3):

PreventionGenetics, part of Exact Sciences
Classification: Uncertain significance for MYH3-related condition. Last evaluated: 2026-07-05. Review status: criteria provided, single submitter. Criteria: ACMG Guidelines, 2015. Collection method: clinical testing. Allele origin: germline.
Comment: The MYH3 c.5332G>A variant is predicted to result in the amino acid substitution p.Ala1778Thr. To our knowledge, this variant has not been reported in the literature. This variant is reported in 0.010% of alleles in individuals of East Asian descent in gnomAD. At this time, the clinical significance of this variant is uncertain due to the absence of conclusive functional and genetic evidence.

Labcorp Genetics (formerly Invitae), Labcorp
Classification: Uncertain significance. Last evaluated: 2025-03-01. Review status: criteria provided, single submitter. Criteria: Invitae Variant Classification Sherloc (09022015). Collection method: clinical testing. Allele origin: germline.
Comment: This sequence change replaces alanine, which is neutral and non-polar, with threonine, which is neutral and polar, at codon 1778 of the MYH3 protein (p.Ala1778Thr). This variant is present in population databases (no rsID available, gnomAD 0.01%). This variant has not been reported in the literature in individuals affected with MYH3-related conditions. ClinVar contains an entry for this variant (Variation ID: 2725211). Invitae Evidence Modeling of protein sequence and biophysical properties (such as structural, functional, and spatial information, amino acid conservation, physicochemical variation, residue mobility, and thermodynamic stability) indicates that this missense variant is not expected to disrupt MYH3 protein function with a negative predictive value of 95%. In summary, the available evidence is currently insufficient to determine the role of this variant in disease. Therefore, it has been classified as a Variant of Uncertain Significance.

Department of Pathology and Laboratory Medicine, Sinai Health System
Classification: Uncertain significance for Contractures, pterygia, and spondylocarpotarsal fusion syndrome 1A; Freeman-Sheldon syndrome; Arthrogryposis, distal, type 2B3; Contractures, pterygia, and variable skeletal fusions syndrome 1B. Last evaluated: 2021-11-22. Review status: criteria provided, single submitter. Criteria: ACMG Guidelines, 2015. Collection method: research. Allele origin: germline.